The following is an entry in ClinVar:

NM_002519.3(NPAT):c.2599C>A (p.Leu867Met)

Gene: NPAT (nuclear protein, coactivator of histone transcription; minus strand). Cytogenetic location: 11q22.3.
Variant type: single nucleotide variant.
Coding change: c.2599C>A on transcript NM_002519.3 (MANE Select); coding-DNA position 2599, C replaced by A.
Protein change: p.Leu867Met; replaces leucine 867 with methionine.
Molecular consequence: missense variant.
Genome position (GRCh38, 1-based): chr11:108,172,385, G>T on the plus strand (C>A on the coding strand, the complement: NPAT is on the minus strand). VCF-style: chr11-108172385-G-T. GRCh37 (hg19) VCF-style: chr11-108043112-G-T.
Other names: c.2599C>A, p.Leu867Met (NM_001321307.1); short protein forms L867M.
Identifiers: ClinVar variation 1793598 (VCV001793598.3), dbSNP rs1475504478, ClinGen allele CA382512630.

ClinVar aggregate classification (germline): Uncertain significance (1 of 4 stars; one submission).

Allele frequency attached by ClinVar (database versions not stated): gnomAD exomes below 0.00001.
gnomAD v4.1: 6 of 1,614,214 alleles (0.00037%); highest among the groups gnomAD compares: African/African-American, 0.0013%; no homozygotes.

Submission:

Ambry Genetics
Classification: Uncertain significance. Last evaluated: 2024-06-14. Review status: criteria provided, single submitter. Criteria: Ambry Variant Classification Scheme 2023. Collection method: clinical testing. Allele origin: germline.
Comment: The p.L867M variant (also known as c.2599C>A), located in coding exon 13 of the NPAT gene, results from a C to A substitution at nucleotide position 2599. The leucine at codon 867 is replaced by methionine, an amino acid with highly similar properties. This amino acid position is conserved. In addition, this alteration is predicted to be tolerated by in silico analysis. Since supporting evidence is limited at this time, the clinical significance of this alteration remains unclear.